The following is an entry in ClinVar:

NM_001366521.1(ATP2B1):c.685A>G (p.Ile229Val)

Gene: ATP2B1 (ATPase plasma membrane Ca2+ transporting 1; minus strand). Cytogenetic location: 12q21.33.
Variant type: single nucleotide variant.
Coding change: c.685A>G on transcript NM_001366521.1 (MANE Select); coding-DNA position 685, A replaced by G.
Protein change: p.Ile229Val; replaces isoleucine 229 with valine.
Molecular consequence: missense variant. On other transcripts: non-coding transcript variant (3), intron variant (5).
Genome position (GRCh38, 1-based): chr12:89,634,880, T>C on the plus strand (A>G on the coding strand, the complement: ATP2B1 is on the minus strand). VCF-style: chr12-89634880-T-C. GRCh37 (hg19) VCF-style: chr12-90028657-T-C.
Other names: c.685A>G, p.Ile229Val (NM_001001323.2, NM_001366520.1, NM_001366522.1 and 17 more transcripts); c.487A>G, p.Ile163Val (NM_001366530.1, NM_001413053.1); c.430A>G, p.Ile144Val (NM_001413056.1); c.232A>G, p.Ile78Val (NM_001413057.1); c.406+7278A>G (NM_001413060.1, NM_001366531.1, NM_001413058.1 and 2 more transcripts); short protein forms I144V, I163V, I229V, I78V.
Identifiers: ClinVar variation 3896084 (VCV003896084.1).

ClinVar aggregate classification (germline): Uncertain significance (1 of 4 stars; one submission).

gnomAD v4.1: 3 of 1,612,824 alleles (0.00019%); highest among the groups gnomAD compares: South Asian, 0.0022%; no homozygotes.

Submission:

Women's Health and Genetics/Laboratory Corporation of America, LabCorp
Classification: Uncertain significance. Last evaluated: 2025-03-19. Review status: criteria provided, single submitter. Criteria: LabCorp Variant Classification Summary - May 2015. Collection method: clinical testing. Allele origin: germline.
Comment: Variant summary: ATP2B1 c.685A>G (p.Ile229Val) results in a conservative amino acid change in the encoded protein sequence. Four of five in-silico tools predict a benign effect of the variant on protein function. The variant was absent in 249870 control chromosomes. The available data on variant occurrences in the general population are insufficient to allow any conclusion about variant significance. To our knowledge, no occurrence of c.685A>G in individuals affected with Intellectual Developmental Disorder, Autosomal Dominant 66 and no experimental evidence demonstrating its impact on protein function have been reported. No submitters have cited clinical-significance assessments for this variant to ClinVar. Based on the evidence outlined above, the variant was classified as uncertain significance.